The following is an entry in ClinVar:

NM_001164508.2(NEB):c.7310G>A (p.Arg2437Gln)

Gene: NEB (nebulin; minus strand). Cytogenetic location: 2q23.3.
Variant type: single nucleotide variant.
Coding change: c.7310G>A on transcript NM_001164508.2 (MANE Select); coding-DNA position 7310, G replaced by A.
Protein change: p.Arg2437Gln; replaces arginine 2437 with glutamine.
Molecular consequence: missense variant.
Genome position (GRCh38, 1-based): chr2:151,650,297, C>T on the plus strand (G>A on the coding strand, the complement: NEB is on the minus strand). VCF-style: chr2-151650297-C-T. GRCh37 (hg19) VCF-style: chr2-152506811-C-T.
Other names: c.7310G>A, p.Arg2437Gln (NM_001164507.2, NM_001271208.2, NM_004543.5); short protein forms R2437Q.
Identifiers: ClinVar variation 95134 (VCV000095134.35), dbSNP rs61730780, ClinGen allele CA148246.

ClinVar aggregate classification (germline): Benign/Likely benign. Review status: criteria provided, multiple submitters, no conflicts (2 of 4 stars). 15 submissions from 15 submitters: Benign (9); Likely benign (2). 4 of the submissions do not count toward it. Last evaluated 2026-02-04.

Conditions:
Nemaline myopathy 2 (NEM2). Also called: Nemaline myopathy 2, autosomal recessive. Identifiers: MedGen C1850569, MONDO:0009725, OMIM 256030.

Allele frequency attached by ClinVar (database versions not stated): ESP Exome Variant Server 0.00225; gnomAD 0.02113 and 0.02167; ExAC 0.02777; 1000 Genomes Project 0.03494; TOPMed 0.03525; 1000 Genomes Project 30x 0.03576; gnomAD exomes 0.03714.
gnomAD v4.1: 16,743 of 1,613,802 alleles (1%); highest among the groups gnomAD compares: Admixed American, 21%; 1,528 homozygotes.

Submissions (15):

Labcorp Genetics (formerly Invitae), Labcorp
Classification: Benign for Nemaline myopathy 2. Last evaluated: 2026-02-04. Review status: criteria provided, single submitter. Criteria: Invitae Variant Classification Sherloc (09022015). Collection method: clinical testing. Allele origin: germline.

Blueprint Genetics
Classification: Benign. Last evaluated: 2024-11-26. Review status: criteria provided, single submitter. Criteria: ACMG Guidelines, 2015. Collection method: clinical testing. Allele origin: germline.

Athena Diagnostics
Classification: Benign. Last evaluated: 2024-03-20. Review status: criteria provided, single submitter. Criteria: Athena Diagnostics Criteria. Collection method: clinical testing. Allele origin: unknown.

Women's Health and Genetics/Laboratory Corporation of America, LabCorp
Classification: Likely benign. Last evaluated: 2021-11-05. Review status: criteria provided, single submitter. Criteria: LabCorp Variant Classification Summary - May 2015. Collection method: clinical testing. Allele origin: germline.

Illumina Laboratory Services, Illumina
Classification: Benign for Nemaline myopathy 2. Last evaluated: 2018-01-13. Review status: criteria provided, single submitter. Criteria: ICSL Variant Classification Criteria 13 December 2019. Collection method: clinical testing. Allele origin: germline.
Comment: This variant was observed in the ICSL laboratory as part of a predisposition screen in an ostensibly healthy population. It had not been previously curated by ICSL or reported in the Human Gene Mutation Database (HGMD: prior to June 1st, 2018), and was therefore a candidate for classification through an automated scoring system. Utilizing variant allele frequency, disease prevalence and penetrance estimates, and inheritance mode, an automated score was calculated to assess if this variant is too frequent to cause the disease. Based on the score and internal cut-off values, a variant classified as benign is not then subjected to further curation. The score for this variant resulted in a classification of benign for this disease.

Mayo Clinic Laboratories, Mayo Clinic
Classification: Benign. Last evaluated: 2017-08-25. Review status: criteria provided, single submitter. Criteria: ACMG Guidelines, 2015. Collection method: clinical testing. Allele origin: germline. Observed: 20 variant alleles.

GeneDx
Classification: Benign. Last evaluated: 2016-03-18. Review status: criteria provided, single submitter. Criteria: GeneDx Variant Classification (06012015). Collection method: clinical testing. Allele origin: germline. Affected: yes.
Comment: This variant is considered likely benign or benign based on one or more of the following criteria: it is a conservative change, it occurs at a poorly conserved position in the protein, it is predicted to be benign by multiple in silico algorithms, and/or has population frequency not consistent with disease.

Laboratory for Molecular Medicine, Mass General Brigham Personalized Medicine
Classification: Benign. Last evaluated: 2015-01-13. Review status: criteria provided, single submitter. Criteria: LMM Criteria. Collection method: clinical testing. Allele origin: germline. Observed: 1 variant allele.
Comment: p.Arg2437Gln in exon 54 of NEB: This variant is not expected to have clinical si gnificance because it has been identified in 18.3% (22/120) of Colombian chromos omes from a broad population by the 1000 Genomes Project (h.gov/projects/SNP; dbSNP rs61730780).

Eurofins Ntd Llc (ga)
Classification: Benign. Last evaluated: 2013-07-30. Review status: criteria provided, single submitter. Criteria: EGL Classification Definitions 2015. Collection method: clinical testing. Allele origin: germline. Observed: 1 variant allele, 1 heterozygote.

Breakthrough Genomics
Classification: Likely benign. Review status: criteria provided, single submitter. Criteria: ACMG Guidelines, 2015. Collection method: not provided. Allele origin: germline. Inheritance: Autosomal recessive inheritance. Affected: yes.

PreventionGenetics, part of Exact Sciences
Classification: Benign. Review status: criteria provided, single submitter. Criteria: ACMG Guidelines, 2015. Collection method: clinical testing. Allele origin: germline.

Natera, Inc.
Classification: Benign for Nemaline myopathy type 2. Last evaluated: 2020-09-16. Review status: no assertion criteria provided. Collection method: clinical testing. Allele origin: germline. Not counted in ClinVar's aggregate classification.

Genetic Services Laboratory, University of Chicago
Classification: Likely benign for AllHighlyPenetrant. Review status: no assertion criteria provided. Collection method: clinical testing. Allele origin: germline. Inheritance: Autosomal recessive inheritance. Not counted in ClinVar's aggregate classification.
Comment: Likely benign based on allele frequency in 1000 Genomes Project or ESP global frequency and its presence in a patient with a rare or unrelated disease phenotype. NOT Sanger confirmed.

Genome Diagnostics Laboratory, University Medical Center Utrecht
Classification: Likely benign. Review status: no assertion criteria provided. Collection method: clinical testing. Allele origin: germline. Affected: yes. Study: VKGL Data-share Consensus. Not counted in ClinVar's aggregate classification.

Laboratory of Diagnostic Genome Analysis, Leiden University Medical Center (LUMC)
Classification: Likely benign. Review status: no assertion criteria provided. Collection method: clinical testing. Allele origin: germline. Affected: yes. Study: VKGL Data-share Consensus. Not counted in ClinVar's aggregate classification.